The following is an entry in ClinVar:

NM_003743.5(NCOA1):c.465C>T (p.Ser155=)

Gene: NCOA1 (nuclear receptor coactivator 1; plus strand). Cytogenetic location: 2p23.3.
Variant type: single nucleotide variant.
Coding change: c.465C>T on transcript NM_003743.5 (MANE Select); coding-DNA position 465, C replaced by T.
Protein change: p.Ser155=; no amino-acid change (serine 155 retained).
Molecular consequence: synonymous variant.
Genome position (GRCh38, 1-based): chr2:24,683,061, C>T. VCF-style: chr2-24683061-C-T. GRCh37 (hg19) VCF-style: chr2-24905930-C-T.
Other names: c.465C>T, p.Ser155= (NM_001362950.1, NM_001362952.1, NM_001362954.1 and 3 more transcripts).
Identifiers: ClinVar variation 3041716 (VCV003041716.2), dbSNP rs143048201, ClinGen allele CA1552013.

ClinVar aggregate classification (germline): Likely benign (0 of 4 stars; one submission).

Conditions:
NCOA1-related disorder. Also called: NCOA1-related condition.

Allele frequency attached by ClinVar (database versions not stated): ESP Exome Variant Server 0.00023; gnomAD 0.00028; TOPMed 0.00029.
gnomAD v4.1: 106 of 1,609,638 alleles (0.0066%); highest among the groups gnomAD compares: African/African-American, 0.088%; 1 homozygote.

Submission:

PreventionGenetics, part of Exact Sciences
Classification: Likely benign for NCOA1-related condition. Last evaluated: 2019-08-27. Review status: no assertion criteria provided. Collection method: clinical testing. Allele origin: germline.
Comment: This variant is classified as likely benign based on ACMG/AMP sequence variant interpretation guidelines (Richards et al. 2015 PMID: 25741868, with internal and published modifications).